The following is an entry in ClinVar:

NC_012920.1(MT-ND2):m.4676C>A

Gene: MT-ND2 (mitochondrially encoded NADH dehydrogenase 2; plus strand).
Variant type: single nucleotide variant.
Genome position: chrM-4676-C-A.
Identifiers: ClinVar variation 692477 (VCV000692477.1), dbSNP rs1603219551, ClinGen allele CA913178560.

ClinVar aggregate classification (germline): Uncertain significance (1 of 4 stars; one submission).

Conditions:
Leigh syndrome (NULS). Also called: Leigh's necrotizing encephalopathy; Leigh's disease; Leigh Syndrome (mtDNA deletion); Leigh Disease; Subacute necrotizing encephalopathy; Necrotizing encephalopathy infantile subacute of Leigh. Identifiers: Orphanet 506, MedGen C2931891, MONDO:0009723, OMIM 256000.

Submission:

Wong Mito Lab, Molecular and Human Genetics, Baylor College of Medicine
Classification: Uncertain significance for Leigh syndrome. Last evaluated: 2019-10-17. Review status: criteria provided, single submitter. Criteria: Modified ACMG Guidelines (Unpublished). Collection method: clinical testing. Allele origin: germline.
Comment: The NC_012920.1:m.4676C>A (YP_003024027.1:p.Ile69Met) variant in MTND2 gene is interpretated to be a Uncertain Significance variant based on the modified ACMG guidelines (unpublished). This variant meets the following evidence codes: PP4